The following is an entry in ClinVar:

ClinVar aggregate classification (germline): Uncertain significance (1 of 4 stars; one submission).

Conditions:
Neurofibromatosis, type 1 (NF1). Also called: Peripheral type neurofibromatosis; VON RECKLINGHAUSEN DISEASE; NEUROFIBROMATOSIS, TYPE I, SOMATIC; Neurofibromatosis, type I. Identifiers: Orphanet 636, MedGen C0027831, MONDO:0018975, OMIM 162200. Disease mechanism: loss of function.

Submission:

Labcorp Genetics (formerly Invitae), Labcorp
Classification: Uncertain significance for Neurofibromatosis, type 1. Last evaluated: 2023-12-28. Review status: criteria provided, single submitter. Criteria: Invitae Variant Classification Sherloc (09022015). Collection method: clinical testing. Allele origin: germline.
Comment: This sequence change replaces leucine, which is neutral and non-polar, with proline, which is neutral and non-polar, at codon 1085 of the NF1 protein (p.Leu1085Pro). This variant is not present in population databases (gnomAD no frequency). This variant has not been reported in the literature in individuals affected with NF1-related conditions. Advanced modeling of protein sequence and biophysical properties (such as structural, functional, and spatial information, amino acid conservation, physicochemical variation, residue mobility, and thermodynamic stability) performed at Invitae indicates that this missense variant is expected to disrupt NF1 protein function with a positive predictive value of 95%. In summary, the available evidence is currently insufficient to determine the role of this variant in disease. Therefore, it has been classified as a Variant of Uncertain Significance.

NM_001042492.3(NF1):c.3254T>C (p.Leu1085Pro)

Gene: NF1 (neurofibromin 1; plus strand). Cytogenetic location: 17q11.2.
Variant type: single nucleotide variant.
Coding change: c.3254T>C on transcript NM_001042492.3 (MANE Select); coding-DNA position 3254, T replaced by C.
Protein change: p.Leu1085Pro; replaces leucine 1085 with proline.
Molecular consequence: missense variant.
Genome position (GRCh38, 1-based): chr17:31,232,129, T>C. VCF-style: chr17-31232129-T-C. GRCh37 (hg19) VCF-style: chr17-29559147-T-C.
Other names: c.3254T>C, p.Leu1085Pro (NM_000267.4); short protein forms L1085P.
Identifiers: ClinVar variation 2704973 (VCV002704973.3), dbSNP rs1555614849, ClinGen allele CA398988805.